The following is an entry in ClinVar:

NM_024854.5(PYROXD1):c.226C>T (p.Arg76Cys)

Gene: PYROXD1 (pyridine nucleotide-disulphide oxidoreductase domain 1; plus strand). Cytogenetic location: 12p12.1.
Variant type: single nucleotide variant.
Coding change: c.226C>T on transcript NM_024854.5 (MANE Select); coding-DNA position 226, C replaced by T.
Protein change: p.Arg76Cys; replaces arginine 76 with cysteine.
Molecular consequence: missense variant. On other transcripts: 5 prime UTR variant (1).
Genome position (GRCh38, 1-based): chr12:21,445,407, C>T. VCF-style: chr12-21445407-C-T. GRCh37 (hg19) VCF-style: chr12-21598341-C-T.
Other names: c.13C>T, p.Arg5Cys (NM_001350912.2); c.-478C>T (NM_001350913.2); short protein forms R5C, R76C.
Identifiers: ClinVar variation 1358320 (VCV001358320.4), dbSNP rs149795907, ClinGen allele CA6478143.

ClinVar aggregate classification (germline): Uncertain significance. Review status: criteria provided, multiple submitters, no conflicts (2 of 4 stars). 2 submissions from 2 submitters: Uncertain significance (2). Last evaluated 2024-05-30.

Allele frequency attached by ClinVar (database versions not stated): ExAC 0.00008; gnomAD exomes 0.00008 and 0.00015; ESP Exome Variant Server 0.00015; TOPMed 0.00017; gnomAD 0.00020 and 0.00021.
gnomAD v4.1: 248 of 1,609,126 alleles (0.015%); highest among the groups gnomAD compares: African/African-American, 0.027%; no homozygotes.

Submissions (2):

Blueprint Genetics
Classification: Uncertain significance. Last evaluated: 2024-05-30. Review status: criteria provided, single submitter. Criteria: ACMG Guidelines, 2015. Collection method: clinical testing. Allele origin: germline.

Labcorp Genetics (formerly Invitae), Labcorp
Classification: Uncertain significance. Last evaluated: 2022-08-09. Review status: criteria provided, single submitter. Criteria: Invitae Variant Classification Sherloc (09022015). Collection method: clinical testing. Allele origin: germline.
Comment: This sequence change replaces arginine, which is basic and polar, with cysteine, which is neutral and slightly polar, at codon 76 of the PYROXD1 protein (p.Arg76Cys). This variant is present in population databases (rs149795907, gnomAD 0.02%). This variant has not been reported in the literature in individuals affected with PYROXD1-related conditions. ClinVar contains an entry for this variant (Variation ID: 1358320). Algorithms developed to predict the effect of missense changes on protein structure and function are either unavailable or do not agree on the potential impact of this missense change (SIFT: "Deleterious"; PolyPhen-2: "Benign"; Align-GVGD: "Class C0"). In summary, the available evidence is currently insufficient to determine the role of this variant in disease. Therefore, it has been classified as a Variant of Uncertain Significance.